The following is an entry in ClinVar:

NM_001458.5(FLNC):c.914C>G (p.Ala305Gly)

Gene: FLNC (filamin C; plus strand). Cytogenetic location: 7q32.1.
Variant type: single nucleotide variant.
Coding change: c.914C>G on transcript NM_001458.5 (MANE Select); coding-DNA position 914, C replaced by G.
Protein change: p.Ala305Gly; replaces alanine 305 with glycine.
Molecular consequence: missense variant.
Genome position (GRCh38, 1-based): chr7:128,837,700, C>G. VCF-style: chr7-128837700-C-G. GRCh37 (hg19) VCF-style: chr7-128477754-C-G.
Other names: c.914C>G, p.Ala305Gly (NM_001127487.2); short protein forms A305G.
Identifiers: ClinVar variation 1063700 (VCV001063700.9), dbSNP rs966097091, ClinGen allele CA369223097.

ClinVar aggregate classification (germline): Uncertain significance (1 of 4 stars; one submission).

Conditions:
Myofibrillar myopathy 5. Also called: Filaminopathy (type); FILAMINOPATHY, AUTOSOMAL DOMINANT. Identifiers: Orphanet 171445, MedGen C1836050, MONDO:0012289, OMIM 609524.
Distal myopathy with posterior leg and anterior hand involvement. Also called: WILLIAMS DISTAL MYOPATHY. Identifiers: Orphanet 63273, MedGen C3279722, MONDO:0013550, OMIM 614065.
Hypertrophic cardiomyopathy 26. Also called: Cardiomyopathy, familial hypertrophic, 26. Identifiers: Orphanet 75249, MedGen C4310749, MONDO:0014883, OMIM 617047.

Submission:

Labcorp Genetics (formerly Invitae), Labcorp
Classification: Uncertain significance for Distal myopathy with posterior leg and anterior hand involvement; Myofibrillar myopathy 5; Hypertrophic cardiomyopathy 26. Last evaluated: 2024-08-13. Review status: criteria provided, single submitter. Criteria: Invitae Variant Classification Sherloc (09022015). Collection method: clinical testing. Allele origin: germline.
Comment: This sequence change replaces alanine, which is neutral and non-polar, with glycine, which is neutral and non-polar, at codon 305 of the FLNC protein (p.Ala305Gly). This variant is not present in population databases (gnomAD no frequency). This variant has not been reported in the literature in individuals affected with FLNC-related conditions. ClinVar contains an entry for this variant (Variation ID: 1063700). Advanced modeling of protein sequence and biophysical properties (such as structural, functional, and spatial information, amino acid conservation, physicochemical variation, residue mobility, and thermodynamic stability) has been performed at Invitae for this missense variant, however the output from this modeling did not meet the statistical confidence thresholds required to predict the impact of this variant on FLNC protein function. In summary, the available evidence is currently insufficient to determine the role of this variant in disease. Therefore, it has been classified as a Variant of Uncertain Significance.